The following is an entry in ClinVar:

ClinVar aggregate classification (germline): Likely benign. Review status: criteria provided, multiple submitters, no conflicts (2 of 4 stars). 3 submissions from 3 submitters: Likely benign (3). Last evaluated 2024-05-26.

Conditions:
Malignant hyperthermia, susceptibility to, 5 (MHS5). Also called: CACNA1S-Related Malignant Hyperthermia Susceptibility. Identifiers: Orphanet 423, MedGen C1866077, MONDO:0011163, OMIM 601887.
Hypokalemic periodic paralysis, type 1. Also called: HypoPP; Hypokalemic Periodic Paralysis Type 1 (AD). Identifiers: Orphanet 681, MedGen C3714580, MONDO:0042979, OMIM 170400.

Allele frequency attached by ClinVar (database versions not stated): gnomAD exomes 0.00001 and 0.00004; ExAC 0.00003; gnomAD 0.00003 and 0.00004; TOPMed 0.00005.
gnomAD v4.1: 30 of 1,613,770 alleles (0.0019%); highest among the groups gnomAD compares: South Asian, 0.015%; no homozygotes.

Submissions (3):

Labcorp Genetics (formerly Invitae), Labcorp
Classification: Likely benign for Hypokalemic periodic paralysis, type 1; Malignant hyperthermia, susceptibility to, 5. Last evaluated: 2024-05-26. Review status: criteria provided, single submitter. Criteria: Invitae Variant Classification Sherloc (09022015). Collection method: clinical testing. Allele origin: germline.

All of Us Research Program, National Institutes of Health
Classification: Likely benign for Malignant hyperthermia, susceptibility to, 5. Last evaluated: 2023-08-15. Review status: criteria provided, single submitter. Criteria: ACMG Guidelines, 2015. Collection method: clinical testing. Allele origin: germline. Inheritance: Autosomal dominant inheritance. Observed: 1 variant allele, 1 heterozygote.
Comment: This study involves interpretation of variants in research participants for the purpose of population health screening. Participant phenotype was not available at the time of variant classification. Additional details can be found in publication PMID: 35346344, PMCID: PMC8962531

Color Diagnostics, LLC DBA Color Health
Classification: Likely benign for Malignant hyperthermia, susceptibility to, 5. Last evaluated: 2022-11-06. Review status: criteria provided, single submitter. Criteria: ACMG Guidelines, 2015. Collection method: clinical testing. Allele origin: germline.

NM_000069.3(CACNA1S):c.2874C>T (p.Thr958=)

Gene: CACNA1S (calcium voltage-gated channel subunit alpha1 S; minus strand). Cytogenetic location: 1q32.1.
Variant type: single nucleotide variant.
Coding change: c.2874C>T on transcript NM_000069.3 (MANE Select); coding-DNA position 2874, C replaced by T.
Protein change: p.Thr958=; no amino-acid change (threonine 958 retained).
Molecular consequence: synonymous variant.
Genome position (GRCh38, 1-based): chr1:201,062,494, G>A on the plus strand (C>T on the coding strand, the complement: CACNA1S is on the minus strand). VCF-style: chr1-201062494-G-A. GRCh37 (hg19) VCF-style: chr1-201031622-G-A.
Identifiers: ClinVar variation 1116092 (VCV001116092.11), dbSNP rs200427762, ClinGen allele CA079356.